The following is an entry in ClinVar:

ClinVar aggregate classification (germline): Uncertain significance. Review status: criteria provided, multiple submitters, no conflicts (2 of 4 stars). 2 submissions from 2 submitters: Uncertain significance (2). Last evaluated 2021-11-16.

Conditions:
Multicentric osteolysis nodulosis arthropathy spectrum. Identifiers: Orphanet 3460, Orphanet 371428, MedGen C1850155, MONDO:0018298.

Allele frequency attached by ClinVar (database versions not stated): gnomAD 0.00001 and 0.00007; gnomAD exomes 0.00004 and 0.00011; ExAC 0.00006; 1000 Genomes Project 30x 0.00047; 1000 Genomes Project 0.00060.

Submissions (3):

Fulgent Genetics
Classification: Uncertain significance for Multicentric osteolysis, nodulosis, and arthropathy. Last evaluated: 2021-11-16. Review status: criteria provided, single submitter. Criteria: ACMG Guidelines, 2015. Collection method: clinical testing. Allele origin: unknown.

Labcorp Genetics (formerly Invitae), Labcorp
Classification: Uncertain significance. Last evaluated: 2021-09-01. Review status: criteria provided, single submitter. Criteria: Invitae Variant Classification Sherloc (09022015). Collection method: clinical testing. Allele origin: germline.
Comment: This sequence change replaces isoleucine with phenylalanine at codon 485 of the MMP2 protein (p.Ile485Phe). The isoleucine residue is moderately conserved and there is a small physicochemical difference between isoleucine and phenylalanine. This variant is present in population databases (rs141440582, ExAC 0.07%). This variant has not been reported in the literature in individuals affected with MMP2-related conditions. Algorithms developed to predict the effect of missense changes on protein structure and function are either unavailable or do not agree on the potential impact of this missense change (SIFT: "Tolerated"; PolyPhen-2: "Possibly Damaging"; Align-GVGD: "Class C0"). In summary, the available evidence is currently insufficient to determine the role of this variant in disease. Therefore, it has been classified as a Variant of Uncertain Significance.

Dr. Peter K. Rogan Lab, Western University
No classification provided (evidence only). Condition: Thyroid cancer, nonmedullary, 1. Review status: no classification provided. Collection method: in vitro. Allele origin: not applicable. Functional consequence: retained intron. Not counted in ClinVar's aggregate classification.

NM_004530.6(MMP2):c.1453A>T (p.Ile485Phe)

Gene: MMP2 (matrix metallopeptidase 2; plus strand). Cytogenetic location: 16q12.2.
Variant type: single nucleotide variant.
Coding change: c.1453A>T on transcript NM_004530.6 (MANE Select); coding-DNA position 1453, A replaced by T.
Protein change: p.Ile485Phe; replaces isoleucine 485 with phenylalanine.
Molecular consequence: missense variant.
Genome position (GRCh38, 1-based): chr16:55,493,274, A>T. VCF-style: chr16-55493274-A-T. GRCh37 (hg19) VCF-style: chr16-55527186-A-T.
Other names: c.1303A>T, p.Ile435Phe (NM_001127891.3); c.1225A>T, p.Ile409Phe (NM_001302508.1, NM_001302509.2, NM_001302510.2); short protein forms I409F, I485F, I435F.
Identifiers: ClinVar variation 1426993 (VCV001426993.7), dbSNP rs141440582, ClinGen allele CA8060439.